The following is an entry in ClinVar:

ClinVar aggregate classification (germline): Likely benign (1 of 4 stars; one submission).

gnomAD v4.1: 1 of 1,561,482 alleles (0.000064%); highest among the groups gnomAD compares: Non-Finnish European, 0.000088%; no homozygotes.

Submission:

GeneDx
Classification: Likely benign. Last evaluated: 2018-04-04. Review status: criteria provided, single submitter. Criteria: GeneDx Variant Classification (06012015). Collection method: clinical testing. Allele origin: germline. Affected: yes.
Comment: This variant is considered likely benign or benign based on one or more of the following criteria: it is a conservative change, it occurs at a poorly conserved position in the protein, it is predicted to be benign by multiple in silico algorithms, and/or has population frequency not consistent with disease.

NM_152263.4(TPM3):c.643-20T>A

Gene: TPM3 (tropomyosin 3; minus strand). Cytogenetic location: 1q21.3.
Variant type: single nucleotide variant.
Coding change: c.643-20T>A on transcript NM_152263.4 (MANE Select); 20 bases into the intron before coding-DNA position 643, T replaced by A.
Molecular consequence: intron variant.
Genome position (GRCh38, 1-based): chr1:154,170,731, A>T on the plus strand (T>A on the coding strand, the complement: TPM3 is on the minus strand). VCF-style: chr1-154170731-A-T. GRCh37 (hg19) VCF-style: chr1-154143207-A-T.
Other names: c.643-20T>A (NM_001364679.2, NM_001364681.2, NM_001364680.2 and 1 more transcripts); c.334-20T>A (NM_001278188.2); c.532-20T>A (NM_001043351.2, NM_001043353.2, NM_001349679.2 and 4 more transcripts); c.532-262T>A (NM_001278190.2); c.262-20T>A (NM_001278191.2).
Identifiers: ClinVar variation 681552 (VCV000681552.1), dbSNP rs1571397718, ClinGen allele CA915941433.